The following is an entry in ClinVar:

NM_000245.4(MET):c.3944T>G (p.Val1315Gly)

Gene: MET (MET proto-oncogene, receptor tyrosine kinase; plus strand). Cytogenetic location: 7q31.2.
Variant type: single nucleotide variant.
Coding change: c.3944T>G on transcript NM_000245.4 (MANE Select); coding-DNA position 3944, T replaced by G.
Protein change: p.Val1315Gly; replaces valine 1315 with glycine.
Molecular consequence: missense variant.
Genome position (GRCh38, 1-based): chr7:116,795,895, T>G. VCF-style: chr7-116795895-T-G. GRCh37 (hg19) VCF-style: chr7-116435949-T-G.
Other names: c.3998T>G, p.Val1333Gly (NM_001127500.3); c.2654T>G, p.Val885Gly (NM_001324402.2); short protein forms V1333G, V1315G, V885G.
Identifiers: ClinVar variation 3395164 (VCV003395164.1).

ClinVar aggregate classification (germline): Uncertain significance (1 of 4 stars; one submission).

Conditions:
Hereditary cancer-predisposing syndrome. Also called: Hereditary Cancer Syndrome; Tumor predisposition; Hereditary neoplastic syndrome; Neoplastic Syndromes, Hereditary. Identifiers: Orphanet 140162, MedGen C0027672, MeSH D009386, MONDO:0015356.

Submission:

Ambry Genetics
Classification: Uncertain significance for Hereditary cancer-predisposing syndrome. Last evaluated: 2024-09-30. Review status: criteria provided, single submitter. Criteria: Ambry Variant Classification Scheme 2023. Collection method: clinical testing. Allele origin: germline.
Comment: The p.V1333G variant (also known as c.3998T>G), located in coding exon 20 of the MET gene, results from a T to G substitution at nucleotide position 3998. The valine at codon 1333 is replaced by glycine, an amino acid with dissimilar properties. This amino acid position is conserved. In addition, this alteration is predicted to be deleterious by in silico analysis. Based on the available evidence, the clinical significance of this variant remains unclear.